The following is an entry in ClinVar:

NM_000548.5(TSC2):c.337-3T>C

Gene: TSC2 (TSC complex subunit 2; plus strand). Cytogenetic location: 16p13.3.
Variant type: single nucleotide variant.
Coding change: c.337-3T>C on transcript NM_000548.5 (MANE Select); 3 bases into the intron before coding-DNA position 337, T replaced by C.
Molecular consequence: intron variant.
Genome position (GRCh38, 1-based): chr16:2,054,293, T>C. VCF-style: chr16-2054293-T-C. GRCh37 (hg19) VCF-style: chr16-2104294-T-C.
Other names: c.337-3T>C (NM_001114382.3, NM_021055.3, NM_001370405.1 and 3 more transcripts); c.226-3T>C (NM_001318827.2); c.-1-1903T>C (NM_001318831.2); c.190-3T>C (NM_001318829.2); c.370-3T>C (NM_001318832.2).
Identifiers: ClinVar variation 468009 (VCV000468009.21), dbSNP rs770515822, ClinGen allele CA276771490.
Genomic context (GRCh38, chr16:2,054,293, plus strand): 5'-CTTCTTGGCAGCCGTGTGGGCGACGCTGGCAGGCTCTGCTGATCCTGTGGCTTTTGTCTT[T>C]AGGGCGAGCGTTTGGGGGTCCTCAGAGCCCTCTTCTTTAAGGTCATCAAGGATTACCCTT-3'

ClinVar aggregate classification (germline): Benign/Likely benign. Review status: criteria provided, multiple submitters, no conflicts (2 of 4 stars). 6 submissions from 6 submitters: Benign (1); Likely benign (5). Last evaluated 2026-01-06.

Conditions:
Tuberous sclerosis syndrome (TSC). Also called: Tuberous Sclerosis Complex; Tuberous sclerosis. Identifiers: Orphanet 805, MedGen C0041341, MONDO:0001734.
Hereditary cancer-predisposing syndrome. Also called: Hereditary neoplastic syndrome; Neoplastic Syndromes, Hereditary; Tumor predisposition; Hereditary Cancer Syndrome. Identifiers: Orphanet 140162, MedGen C0027672, MeSH D009386, MONDO:0015356.
Tuberous sclerosis 2 (TSC2). Identifiers: Orphanet 805, MedGen C1860707, MONDO:0013199, OMIM 613254.

Allele frequency attached by ClinVar (database versions not stated): gnomAD 0.00001; TOPMed 0.00001.
gnomAD v4.1: 38 of 1,614,042 alleles (0.0024%); highest among the groups gnomAD compares: Non-Finnish European, 0.0029%; no homozygotes.

Submissions (6):

Labcorp Genetics (formerly Invitae), Labcorp
Classification: Benign for Tuberous sclerosis 2. Last evaluated: 2026-01-06. Review status: criteria provided, single submitter. Criteria: Invitae Variant Classification Sherloc (09022015). Collection method: clinical testing. Allele origin: germline.

Myriad Genetics, Inc.
Classification: Likely benign for Tuberous sclerosis 2. Last evaluated: 2025-05-02. Review status: criteria provided, single submitter. Criteria: Myriad Autosomal Dominant, Autosomal Recessive and X-Linked Classification Criteria (2023). Collection method: clinical testing. Allele origin: unknown.
Comment: This variant is considered likely benign. This variant is intronic and is not expected to impact mRNA splicing.

Ambry Genetics
Classification: Likely benign for Hereditary cancer-predisposing syndrome. Last evaluated: 2024-01-25. Review status: criteria provided, single submitter. Criteria: Ambry Variant Classification Scheme 2023. Collection method: clinical testing. Allele origin: germline.

All of Us Research Program, National Institutes of Health
Classification: Likely benign for Tuberous sclerosis syndrome. Last evaluated: 2023-04-28. Review status: criteria provided, single submitter. Criteria: ACMG Guidelines, 2015. Collection method: clinical testing. Allele origin: germline. Inheritance: Autosomal dominant inheritance. Observed: 3 variant alleles, 3 heterozygotes.
Comment: This study involves interpretation of variants in research participants for the purpose of population health screening. Participant phenotype was not available at the time of variant classification. Additional details can be found in publication PMID: 35346344, PMCID: PMC8962531

ARUP Laboratories, Molecular Genetics and Genomics, ARUP Laboratories
Classification: Likely benign. Last evaluated: 2022-03-28. Review status: criteria provided, single submitter. Criteria: ARUP Molecular Germline Variant Investigation Process 2021. Collection method: clinical testing. Allele origin: germline.

Genome-Nilou Lab
Classification: Likely benign for Tuberous sclerosis 2. Last evaluated: 2021-11-07. Review status: criteria provided, single submitter. Criteria: ACMG Guidelines, 2015. Collection method: clinical testing. Allele origin: germline. Affected: no.